The following is an entry in ClinVar:

NC_000004.11:g.(?_186427656)_(186429736_?)del

Gene: PDLIM3 (PDZ and LIM domain 3; minus strand). Cytogenetic location: 4q35.1.
Variant type: Deletion.
Identifiers: ClinVar variation 3246579 (VCV003246579.1).

ClinVar aggregate classification (germline): Uncertain significance (1 of 4 stars; one submission).

Conditions:
Primary dilated cardiomyopathy (DCM). Also called: Dilated Cardiomyopathy. Identifiers: Orphanet 217604, MedGen C0007193, MeSH D002311, MONDO:0005021, HP:0001644. Inheritance: Various modes of inheritance.
Hypertrophic cardiomyopathy. Also called: HYPERTROPHIC MYOCARDIOPATHY. Identifiers: Orphanet 217569, MedGen C0007194, MeSH D002312, MONDO:0005045, HP:0001639.

Submission:

Labcorp Genetics (formerly Invitae), Labcorp
Classification: Uncertain significance for Hypertrophic cardiomyopathy; Primary dilated cardiomyopathy. Last evaluated: 2023-11-24. Review status: criteria provided, single submitter. Criteria: Invitae Variant Classification Sherloc (09022015). Collection method: clinical testing. Allele origin: unknown.
Comment: This variant is a gross deletion of the genomic region encompassing exon(s) 5-6 of the PDLIM3 gene. This deletion is out-of-frame, and is expected to create a premature translational stop signal and result in an absent or disrupted protein product. However, the current clinical and genetic evidence is not sufficient to establish whether loss-of-function variants in PDLIM3 cause disease. This variant has not been reported in the literature in individuals affected with PDLIM3-related conditions. In summary, the available evidence is currently insufficient to determine the role of this variant in disease. Therefore, it has been classified as a Variant of Uncertain Significance.